The following is an entry in ClinVar:

ClinVar aggregate classification (germline): Uncertain significance. Review status: criteria provided, multiple submitters, no conflicts (2 of 4 stars). 2 submissions from 2 submitters: Uncertain significance (2). Last evaluated 2026-01-02.

Conditions:
WT1-related disorder. Also called: WT1-related disorders. Identifiers: MedGen CN377814.
Inborn genetic diseases. Identifiers: MedGen C0950123, MeSH D030342.

gnomAD v4.1: 1 of 1,529,094 alleles (0.000065%); highest among the groups gnomAD compares: Non-Finnish European, 0.000087%; no homozygotes.

Submissions (2):

PreventionGenetics, part of Exact Sciences
Classification: Uncertain significance for WT1-related condition. Last evaluated: 2026-01-02. Review status: criteria provided, single submitter. Criteria: ACMG Guidelines, 2015. Collection method: clinical testing. Allele origin: germline.
Comment: The WT1 c.154C>T variant is predicted to result in the amino acid substitution p.Arg52Cys. To our knowledge, this variant has not been reported in the literature or in a large population database (gnomAD), indicating this variant is rare. At this time, the clinical significance of this variant is uncertain due to the absence of conclusive functional and genetic evidence.

Ambry Genetics
Classification: Uncertain significance for Inborn genetic diseases. Last evaluated: 2025-09-16. Review status: criteria provided, single submitter. Criteria: Ambry Variant Classification Scheme 2023. Collection method: clinical testing. Allele origin: germline.
Comment: The p.R52C variant (also known as c.154C>T), located in coding exon 1 of the WT1 gene, results from a C to T substitution at nucleotide position 154. The arginine at codon 52 is replaced by cysteine, an amino acid with highly dissimilar properties. This amino acid position is conserved. In addition, this alteration is predicted to be tolerated by in silico analysis. Based on the available evidence, the clinical significance of this variant remains unclear.

NM_024426.6(WT1):c.169C>T (p.Arg57Cys)

Genes: WT1 (WT1 transcription factor; minus strand), LOC107982234 (WT1/WT1-AS bi-directional promoter region; plus strand). Cytogenetic location: 11p13.
Variant type: single nucleotide variant.
Coding change: c.169C>T on transcript NM_024426.6 (MANE Select); coding-DNA position 169, C replaced by T.
Protein change: p.Arg57Cys; replaces arginine 57 with cysteine.
Molecular consequence: missense variant. On other transcripts: 5 prime UTR variant (4), non-coding transcript variant (2).
Genome position (GRCh38, 1-based): chr11:32,435,192, G>A on the plus strand (C>T on the coding strand, the complement: WT1 is on the minus strand). VCF-style: chr11-32435192-G-A. GRCh37 (hg19) VCF-style: chr11-32456738-G-A.
Other names: c.169C>T, p.Arg57Cys (NM_000378.6, NM_001407044.1, NM_001407045.1 and 6 more transcripts); c.-51C>T (NM_001429031.1, NM_001429032.1, NM_001429033.1 and 1 more transcripts); short protein forms R52C, R57C.
Identifiers: ClinVar variation 4634838 (VCV004634838.2).